The following is an entry in ClinVar:

NM_000439.5(PCSK1):c.180+742A>G

Genes: CAST (calpastatin; plus strand), PCSK1 (proprotein convertase subtilisin/kexin type 1; minus strand), LOC101929710 (uncharacterized LOC101929710; plus strand). Cytogenetic location: 5q15.
Variant type: single nucleotide variant.
Coding change: c.180+742A>G on transcript NM_000439.5 (MANE Select); 742 bases into the intron after coding-DNA position 180, A replaced by G.
Molecular consequence: intron variant. On other transcripts: missense variant (1), initiator codon variant (1).
Genome position (GRCh38, 1-based): chr5:96,432,121, T>C on the plus strand (A>G on the coding strand, the complement: PCSK1 is on the minus strand). VCF-style: chr5-96432121-T-C. GRCh37 (hg19) VCF-style: chr5-95767825-T-C.
Other names: c.1A>G, p.Met1Val (NM_001177875.2); c.-175+52469T>C (NM_001423254.1, NM_001423259.1, NM_001423255.1 and 6 more transcripts); c.-103+52469T>C (NM_001423253.1); c.-40+52469T>C (NM_001423258.1); short protein forms M1V.
Identifiers: ClinVar variation 3034200 (VCV003034200.2), dbSNP rs570633575, ClinGen allele CA122938433.

ClinVar aggregate classification (germline): Uncertain significance (0 of 4 stars; one submission).

Conditions:
PCSK1-related disorder. Also called: PCSK1-related condition.

Allele frequency attached by ClinVar (database versions not stated): 1000 Genomes Project 30x 0.00016; 1000 Genomes Project 0.00020; gnomAD 0.00011; TOPMed 0.00010; gnomAD exomes 0.00001.
gnomAD v4.1: 30 of 1,535,716 alleles (0.002%); highest among the groups gnomAD compares: African/African-American, 0.037%; no homozygotes.

Submission:

PreventionGenetics, part of Exact Sciences
Classification: Uncertain significance for PCSK1-related condition. Last evaluated: 2024-02-06. Review status: no assertion criteria provided. Collection method: clinical testing. Allele origin: germline.
Comment: The PCSK1 c.1A>G variant is predicted to disrupt the translation initiation site (Start loss). This variant is also referred to as c.180+742A>G (intronic) with the primary transcript NM_000439. To our knowledge, this variant has not been reported in the literature. This variant is reported in 0.026% of alleles in individuals of African descent in gnomAD. At this time, the clinical significance of this variant is uncertain due to the absence of conclusive functional and genetic evidence.